The following is an entry in ClinVar:

NM_005465.7(AKT3):c.365C>G (p.Thr122Ser)

Gene: AKT3 (AKT serine/threonine kinase 3; minus strand). Cytogenetic location: 1q44.
Variant type: single nucleotide variant.
Coding change: c.365C>G on transcript NM_005465.7 (MANE Select); coding-DNA position 365, C replaced by G.
Protein change: p.Thr122Ser; replaces threonine 122 with serine.
Molecular consequence: missense variant.
Genome position (GRCh38, 1-based): chr1:243,645,957, G>C on the plus strand (C>G on the coding strand, the complement: AKT3 is on the minus strand). VCF-style: chr1-243645957-G-C. GRCh37 (hg19) VCF-style: chr1-243809259-G-C.
Other names: c.365C>G, p.Thr122Ser (NM_001206729.2, NM_001370074.1, NM_181690.2); short protein forms T122S.
Identifiers: ClinVar variation 2880071 (VCV002880071.3), dbSNP rs367585326, ClinGen allele CA1484132.

ClinVar aggregate classification (germline): Uncertain significance (1 of 4 stars; one submission).

Conditions:
Megalencephaly-polymicrogyria-polydactyly-hydrocephalus syndrome 2 (MPPH2). Also called: MEGALENCEPHALY-POLYMICROGYRIA-POLYDACTYLY-HYDROCEPHALUS SYNDROME 2, SOMATIC. Identifiers: Orphanet 83473, MedGen C4014738, MONDO:0014407, OMIM 615937.

Allele frequency attached by ClinVar (database versions not stated): ExAC 0.00001; ESP Exome Variant Server 0.00008.
gnomAD v4.1: 1 of 1,612,490 alleles (0.000062%); highest among the groups gnomAD compares: Non-Finnish European, 0.000085%; no homozygotes.

Submission:

Labcorp Genetics (formerly Invitae), Labcorp
Classification: Uncertain significance for Megalencephaly-polymicrogyria-polydactyly-hydrocephalus syndrome 2. Last evaluated: 2023-04-30. Review status: criteria provided, single submitter. Criteria: Invitae Variant Classification Sherloc (09022015). Collection method: clinical testing. Allele origin: germline.
Comment: An algorithm developed to predict the effect of missense changes on protein structure and function (PolyPhen-2) suggests that this variant is likely to be tolerated. This variant has not been reported in the literature in individuals affected with AKT3-related conditions. This variant is not present in population databases (gnomAD no frequency). This sequence change replaces threonine, which is neutral and polar, with serine, which is neutral and polar, at codon 122 of the AKT3 protein (p.Thr122Ser). In summary, the available evidence is currently insufficient to determine the role of this variant in disease. Therefore, it has been classified as a Variant of Uncertain Significance.